The following is an entry in ClinVar:

ClinVar aggregate classification (germline): Uncertain significance (1 of 4 stars; one submission).

Conditions:
Hereditary cancer-predisposing syndrome. Also called: Tumor predisposition; Neoplastic Syndromes, Hereditary; Hereditary Cancer Syndrome; Hereditary neoplastic syndrome. Identifiers: Orphanet 140162, MedGen C0027672, MeSH D009386, MONDO:0015356.

Submission:

Ambry Genetics
Classification: Uncertain significance for Hereditary cancer-predisposing syndrome. Last evaluated: 2024-07-05. Review status: criteria provided, single submitter. Criteria: Ambry Variant Classification Scheme 2023. Collection method: clinical testing. Allele origin: germline.
Comment: The p.P85H variant (also known as c.254C>A), located in coding exon 1 of the CDKN1B gene, results from a C to A substitution at nucleotide position 254. The proline at codon 85 is replaced by histidine, an amino acid with similar properties. This amino acid position is conserved. In addition, this alteration is predicted to be deleterious by in silico analysis. Based on the available evidence, the clinical significance of this variant remains unclear.

NM_004064.5(CDKN1B):c.254C>A (p.Pro85His)

Gene: CDKN1B (cyclin dependent kinase inhibitor 1B; plus strand). Cytogenetic location: 12p13.1.
Variant type: single nucleotide variant.
Coding change: c.254C>A on transcript NM_004064.5 (MANE Select); coding-DNA position 254, C replaced by A.
Protein change: p.Pro85His; replaces proline 85 with histidine.
Molecular consequence: missense variant.
Genome position (GRCh38, 1-based): chr12:12,718,093, C>A. VCF-style: chr12-12718093-C-A. GRCh37 (hg19) VCF-style: chr12-12871027-C-A.
Other names: short protein forms P85H.
Identifiers: ClinVar variation 3489621 (VCV003489621.1).